The following is an entry in ClinVar:

ClinVar aggregate classification (germline): Uncertain significance (1 of 4 stars; one submission).

Conditions:
Cortical dysplasia-focal epilepsy syndrome (PTHSL1). Also called: Pitt-Hopkins-like syndrome 1. Identifiers: Orphanet 163681, Orphanet 221150, MedGen C2750246, MONDO:0012400, OMIM 610042.

Submission:

Labcorp Genetics (formerly Invitae), Labcorp
Classification: Uncertain significance for Cortical dysplasia-focal epilepsy syndrome. Last evaluated: 2024-05-06. Review status: criteria provided, single submitter. Criteria: Invitae Variant Classification Sherloc (09022015). Collection method: clinical testing. Allele origin: germline.
Comment: This sequence change replaces isoleucine, which is neutral and non-polar, with methionine, which is neutral and non-polar, at codon 65 of the CNTNAP2 protein (p.Ile65Met). This variant is not present in population databases (gnomAD no frequency). This variant has not been reported in the literature in individuals affected with CNTNAP2-related conditions. ClinVar contains an entry for this variant (Variation ID: 1970104). An algorithm developed to predict the effect of missense changes on protein structure and function (PolyPhen-2) suggests that this variant is likely to be tolerated. In summary, the available evidence is currently insufficient to determine the role of this variant in disease. Therefore, it has been classified as a Variant of Uncertain Significance.

NM_014141.6(CNTNAP2):c.195A>G (p.Ile65Met)

Gene: CNTNAP2 (contactin associated protein 2; plus strand). Cytogenetic location: 7q35.
Variant type: single nucleotide variant.
Coding change: c.195A>G on transcript NM_014141.6 (MANE Select); coding-DNA position 195, A replaced by G.
Protein change: p.Ile65Met; replaces isoleucine 65 with methionine.
Molecular consequence: missense variant.
Genome position (GRCh38, 1-based): chr7:146,774,368, A>G. VCF-style: chr7-146774368-A-G. GRCh37 (hg19) VCF-style: chr7-146471460-A-G.
Other names: short protein forms I65M.
Identifiers: ClinVar variation 1970104 (VCV001970104.5), dbSNP rs2485547544, ClinGen allele CA369922417.